The following is an entry in ClinVar:

NM_017780.4(CHD7):c.2249C>G (p.Ser750Cys)

Gene: CHD7 (chromodomain helicase DNA binding protein 7; plus strand). Cytogenetic location: 8q12.2.
Variant type: single nucleotide variant.
Coding change: c.2249C>G on transcript NM_017780.4 (MANE Select); coding-DNA position 2249, C replaced by G.
Protein change: p.Ser750Cys; replaces serine 750 with cysteine.
Molecular consequence: missense variant. On other transcripts: intron variant (1).
Genome position (GRCh38, 1-based): chr8:60,800,398, C>G. VCF-style: chr8-60800398-C-G. GRCh37 (hg19) VCF-style: chr8-61712957-C-G.
Other names: c.1716+19348C>G (NM_001316690.1); short protein forms S750C.
Identifiers: ClinVar variation 3781042 (VCV003781042.1).

ClinVar aggregate classification (germline): Uncertain significance (1 of 4 stars; one submission).

Submission:

GeneDx
Classification: Uncertain significance. Last evaluated: 2024-10-18. Review status: criteria provided, single submitter. Criteria: GeneDx Variant Classification Process June 2021. Collection method: clinical testing. Allele origin: germline. Affected: yes.
Comment: Not observed at significant frequency in large population cohorts (gnomAD); In silico analysis supports that this missense variant has a deleterious effect on protein structure/function; Has not been previously published as pathogenic or benign to our knowledge